The following is an entry in ClinVar:

ClinVar aggregate classification (germline): Uncertain significance. Review status: criteria provided, multiple submitters, no conflicts (2 of 4 stars). 3 submissions from 3 submitters: Uncertain significance (3). Last evaluated 2025-12-31.

Conditions:
SAG-related disorder. Also called: SAG-related disorders; SAG-related condition.

Allele frequency attached by ClinVar (database versions not stated): gnomAD exomes 0.00001 and 0.00003; ExAC 0.00003; ESP Exome Variant Server 0.00008; gnomAD 0.00009; TOPMed 0.00012.
gnomAD v4.1: 24 of 1,611,966 alleles (0.0015%); highest among the groups gnomAD compares: African/African-American, 0.031%; no homozygotes.

Submissions (3):

Labcorp Genetics (formerly Invitae), Labcorp
Classification: Uncertain significance. Last evaluated: 2025-12-31. Review status: criteria provided, single submitter. Criteria: Invitae Variant Classification Sherloc (09022015). Collection method: clinical testing. Allele origin: germline.
Comment: This sequence change replaces glycine, which is neutral and non-polar, with alanine, which is neutral and non-polar, at codon 221 of the SAG protein (p.Gly221Ala). This variant is present in population databases (rs370164923, gnomAD 0.04%), including at least one homozygous and/or hemizygous individual. This variant has not been reported in the literature in individuals affected with SAG-related conditions. ClinVar contains an entry for this variant (Variation ID: 864379). Invitae Evidence Modeling of protein sequence and biophysical properties (such as structural, functional, and spatial information, amino acid conservation, physicochemical variation, residue mobility, and thermodynamic stability) indicates that this missense variant is not expected to disrupt SAG protein function with a negative predictive value of 80%. In summary, the available evidence is currently insufficient to determine the role of this variant in disease. Therefore, it has been classified as a Variant of Uncertain Significance.

PreventionGenetics, part of Exact Sciences
Classification: Uncertain significance for SAG-related condition. Last evaluated: 2025-12-03. Review status: criteria provided, single submitter. Criteria: ACMG Guidelines, 2015. Collection method: clinical testing. Allele origin: germline.
Comment: The SAG c.662G>C variant is predicted to result in the amino acid substitution p.Gly221Ala. To our knowledge, this variant has not been reported in the literature. This variant is reported in 0.041% of alleles in individuals of African descent in gnomAD. At this time, the clinical significance of this variant is uncertain due to the absence of conclusive functional and genetic evidence.

Blueprint Genetics
Classification: Uncertain significance. Last evaluated: 2022-10-14. Review status: criteria provided, single submitter. Criteria: ACMG Guidelines, 2015. Collection method: clinical testing. Allele origin: germline.

NM_000541.5(SAG):c.662G>C (p.Gly221Ala)

Gene: SAG (S-antigen visual arrestin; plus strand). Cytogenetic location: 2q37.1.
Variant type: single nucleotide variant.
Coding change: c.662G>C on transcript NM_000541.5 (MANE Select); coding-DNA position 662, G replaced by C.
Protein change: p.Gly221Ala; replaces glycine 221 with alanine.
Molecular consequence: missense variant.
Genome position (GRCh38, 1-based): chr2:233,329,506, G>C. VCF-style: chr2-233329506-G-C. GRCh37 (hg19) VCF-style: chr2-234238152-G-C.
Other names: short protein forms G221A.
Identifiers: ClinVar variation 864379 (VCV000864379.9), dbSNP rs370164923, ClinGen allele CA2174482.